The following is an entry in ClinVar:

NM_002693.3(POLG):c.1930G>C (p.Gly644Arg)

Gene: POLG (DNA polymerase gamma, catalytic subunit; minus strand). Cytogenetic location: 15q26.1.
Variant type: single nucleotide variant.
Coding change: c.1930G>C on transcript NM_002693.3 (MANE Select); coding-DNA position 1930, G replaced by C.
Protein change: p.Gly644Arg; replaces glycine 644 with arginine.
Molecular consequence: missense variant.
Genome position (GRCh38, 1-based): chr15:89,325,469, C>G on the plus strand (G>C on the coding strand, the complement: POLG is on the minus strand). VCF-style: chr15-89325469-C-G. GRCh37 (hg19) VCF-style: chr15-89868700-C-G.
Other names: c.1930G>C, p.Gly644Arg (NM_001126131.2); short protein forms G644R.
Identifiers: ClinVar variation 1967861 (VCV001967861.5), dbSNP rs1156534099, ClinGen allele CA393758984.

ClinVar aggregate classification (germline): Uncertain significance (1 of 4 stars; one submission).

Conditions:
Progressive sclerosing poliodystrophy (MTDPS4A). Also called: Mitochondrial DNA Depletion Syndrome 4A; ALPERS PROGRESSIVE INFANTILE POLIODYSTROPHY; NEURONAL DEGENERATION OF CHILDHOOD WITH LIVER DISEASE, PROGRESSIVE; Mitochondrial DNA depletion syndrome 4A (Alpers type); Alpers-Huttenlocher Syndrome (AHS); Alpers Syndrome. Identifiers: Orphanet 726, MedGen C0205710, MONDO:0008758, OMIM 203700.

Submission:

Labcorp Genetics (formerly Invitae), Labcorp
Classification: Uncertain significance for Progressive sclerosing poliodystrophy. Last evaluated: 2022-01-19. Review status: criteria provided, single submitter. Criteria: Invitae Variant Classification Sherloc (09022015). Collection method: clinical testing. Allele origin: germline.
Comment: In summary, the available evidence is currently insufficient to determine the role of this variant in disease. Therefore, it has been classified as a Variant of Uncertain Significance. Algorithms developed to predict the effect of missense changes on protein structure and function are either unavailable or do not agree on the potential impact of this missense change (SIFT: "Deleterious"; PolyPhen-2: "Benign"; Align-GVGD: "Class C0"). This variant has not been reported in the literature in individuals affected with POLG-related conditions. This variant is not present in population databases (gnomAD no frequency). This sequence change replaces glycine, which is neutral and non-polar, with arginine, which is basic and polar, at codon 644 of the POLG protein (p.Gly644Arg).